The following is an entry in ClinVar:

ClinVar aggregate classification (germline): Uncertain significance. Review status: criteria provided, multiple submitters, no conflicts (2 of 4 stars). 3 submissions from 3 submitters: Uncertain significance (3). Last evaluated 2026-04-22.

Conditions:
Familial thoracic aortic aneurysm and aortic dissection (TAAD). Also called: Thoracic aortic aneurysms and dissections. Identifiers: Orphanet 91387, MedGen C4707243, MONDO:0019625.

Allele frequency attached by ClinVar (database versions not stated): gnomAD exomes below 0.00001; TOPMed below 0.00001.
gnomAD v4.1: 1 of 1,614,198 alleles (0.000062%); highest among the groups gnomAD compares: Non-Finnish European, 0.000085%; no homozygotes.

Submissions (3):

GeneDx
Classification: Uncertain significance. Last evaluated: 2026-04-22. Review status: criteria provided, single submitter. Criteria: GeneDx Variant Classification Process June 2021. Collection method: clinical testing. Allele origin: germline.
Comment: Not observed at significant frequency in large population cohorts (gnomAD); In silico analysis supports that this missense variant has a deleterious effect on protein structure/function; Has not been previously published as pathogenic or benign to our knowledge

Ambry Genetics
Classification: Uncertain significance for Familial thoracic aortic aneurysm and aortic dissection. Last evaluated: 2025-07-22. Review status: criteria provided, single submitter. Criteria: Ambry Variant Classification Scheme 2023. Collection method: clinical testing. Allele origin: germline.

Color Diagnostics, LLC DBA Color Health
Classification: Uncertain significance for Familial thoracic aortic aneurysm and aortic dissection. Last evaluated: 2023-12-05. Review status: criteria provided, single submitter. Criteria: ACMG Guidelines, 2015. Collection method: clinical testing. Allele origin: germline.
Comment: This missense variant replaces glutamine with histidine at codon 128 of the SMAD3 protein. Computational prediction tools and conservation analyses suggest that this variant may have deleterious impact on protein function. Computational splicing tools suggest that this variant may not impact RNA splicing. To our knowledge, functional assays have not been performed for this variant nor has this variant been reported in individuals affected with cardiovascular disorders in the literature. This variant has not been identified in the general population by the Genome Aggregation Database (gnomAD). Available evidence is insufficient to determine the role of this variant in disease conclusively. Therefore, this variant is classified as a Variant of Uncertain Significance.

NM_005902.4(SMAD3):c.384G>C (p.Gln128His)

Gene: SMAD3 (SMAD family member 3; plus strand). Cytogenetic location: 15q22.33.
Variant type: single nucleotide variant.
Coding change: c.384G>C on transcript NM_005902.4 (MANE Select); coding-DNA position 384, G replaced by C.
Protein change: p.Gln128His; replaces glutamine 128 with histidine.
Molecular consequence: missense variant.
Genome position (GRCh38, 1-based): chr15:67,165,072, G>C. VCF-style: chr15-67165072-G-C. GRCh37 (hg19) VCF-style: chr15-67457410-G-C.
Other names: c.69G>C, p.Gln23His (NM_001145102.2); c.252G>C, p.Gln84His (NM_001145103.2); short protein forms Q128H, Q84H, Q23H.
Identifiers: ClinVar variation 918862 (VCV000918862.7), dbSNP rs1962541593, ClinGen allele CA392954181.